The following is an entry in ClinVar:

ClinVar aggregate classification (germline): Uncertain significance (1 of 4 stars; one submission).

Conditions:
Cardiovascular phenotype. Identifiers: MedGen CN230736.
Hereditary cancer-predisposing syndrome. Also called: Neoplastic Syndromes, Hereditary; Tumor predisposition; Hereditary neoplastic syndrome; Hereditary Cancer Syndrome. Identifiers: Orphanet 140162, MedGen C0027672, MeSH D009386, MONDO:0015356.

Submission:

Ambry Genetics
Classification: Uncertain significance for Cardiovascular phenotype; Hereditary cancer-predisposing syndrome. Last evaluated: 2026-08-05. Review status: criteria provided, single submitter. Criteria: Ambry Variant Classification Scheme 2023. Collection method: clinical testing. Allele origin: germline.
Comment: The c.2254_2256delTAC variant (also known as p.Y752del) is located in coding exon 19 of the LZTR1 gene. This variant results from an in-frame TAC deletion at nucleotide positions 2254 to 2256. This results in the in-frame deletion of a tyrosine at codon 752. This amino acid position is not well conserved in available vertebrate species. In addition, this variant is predicted to be deleterious by in silico analysis (Choi Y et al. PLoS ONE. 2012; 7(10):e46688). Based on the available evidence, the clinical significance of this variant remains unclear.

NM_006767.4(LZTR1):c.2254_2256del (p.Tyr752del)

Gene: LZTR1 (leucine zipper like post translational regulator 1; plus strand). Cytogenetic location: 22q11.21.
Variant type: Deletion.
Coding change: c.2254_2256del on transcript NM_006767.4 (MANE Select); coding-DNA positions 2254 to 2256, 3 bases deleted (TAC; older notation c.2254_2256delTAC).
Protein change: p.Tyr752del; deletes tyrosine 752.
Genome position (GRCh38, 1-based): chr22:20,996,730-20,996,732, TAC deleted; deleting any 3 consecutive bases within chr22:20,996,729-20,996,732 gives the same sequence; the c. name uses the placement nearest the transcript's 3' end. VCF-style (leftmost placement, unchanged base first): chr22-20996728-TCTA-T. GRCh37 (hg19) VCF-style: chr22-21351017-TCTA-T.
Other names: short protein forms Y752del.
Identifiers: ClinVar variation 5023782 (VCV005023782.1).
Genomic context (GRCh38, chr22:20,996,728, plus strand): 5'-TTTAGTCAGCTCCTTAACCAGGCCCCAGCTACTTGTTTGCGGCCCCCTACTACTACGGCT[TCTA>T]CAACAACCGGCTGCAGGCGTACTGCAAGCAGAACCTGGAGATGAACGTGACGGTGCAGAA-3'